The following is an entry in ClinVar:

ClinVar aggregate classification (germline): Uncertain significance (1 of 4 stars; one submission).

Conditions:
Werner syndrome (WRN). Identifiers: Orphanet 902, MedGen C0043119, MONDO:0010196, OMIM 277700.

Submission:

Labcorp Genetics (formerly Invitae), Labcorp
Classification: Uncertain significance for Werner syndrome. Last evaluated: 2021-10-30. Review status: criteria provided, single submitter. Criteria: Invitae Variant Classification Sherloc (09022015). Collection method: clinical testing. Allele origin: germline.
Comment: This sequence change replaces aspartic acid, which is acidic and polar, with glutamic acid, which is acidic and polar, at codon 522 of the WRN protein (p.Asp522Glu). This variant is not present in population databases (gnomAD no frequency). This variant has not been reported in the literature in individuals affected with WRN-related conditions. Algorithms developed to predict the effect of missense changes on protein structure and function output the following: SIFT: "Not Available"; PolyPhen-2: "Benign"; Align-GVGD: "Not Available". The glutamic acid amino acid residue is found in multiple mammalian species, which suggests that this missense change does not adversely affect protein function. In summary, the available evidence is currently insufficient to determine the role of this variant in disease. Therefore, it has been classified as a Variant of Uncertain Significance.

NM_000553.6(WRN):c.1566T>A (p.Asp522Glu)

Gene: WRN (WRN RecQ like helicase; plus strand). Cytogenetic location: 8p12.
Variant type: single nucleotide variant.
Coding change: c.1566T>A on transcript NM_000553.6 (MANE Select); coding-DNA position 1566, T replaced by A.
Protein change: p.Asp522Glu; replaces aspartic acid 522 with glutamic acid.
Molecular consequence: missense variant.
Genome position (GRCh38, 1-based): chr8:31,087,910, T>A. VCF-style: chr8-31087910-T-A. GRCh37 (hg19) VCF-style: chr8-30945426-T-A.
Other names: short protein forms D522E.
Identifiers: ClinVar variation 1504295 (VCV001504295.6), dbSNP rs751988233, ClinGen allele CA370924957.